The following is an entry in ClinVar:

ClinVar aggregate classification (germline): Uncertain significance (1 of 4 stars; one submission).

Conditions:
Hereditary cancer-predisposing syndrome. Also called: Neoplastic Syndromes, Hereditary; Tumor predisposition; Hereditary neoplastic syndrome; Hereditary Cancer Syndrome. Identifiers: Orphanet 140162, MedGen C0027672, MeSH D009386, MONDO:0015356.

Submission:

Ambry Genetics
Classification: Uncertain significance for Hereditary cancer-predisposing syndrome. Last evaluated: 2022-12-25. Review status: criteria provided, single submitter. Criteria: Ambry Variant Classification Scheme 2023. Collection method: clinical testing. Allele origin: germline.
Comment: The p.D1270E variant (also known as c.3810T>A), located in coding exon 25 of the RAD50 gene, results from a T to A substitution at nucleotide position 3810. The aspartic acid at codon 1270 is replaced by glutamic acid, an amino acid with highly similar properties. This amino acid position is conserved. In addition, this alteration is predicted to be deleterious by in silico analysis. Since supporting evidence is limited at this time, the clinical significance of this alteration remains unclear.

NM_005732.4(RAD50):c.3810T>A (p.Asp1270Glu)

Genes: RAD50 (RAD50 double strand break repair protein; plus strand), TH2LCRR (T helper type 2 locus control region associated RNA; minus strand). Cytogenetic location: 5q31.1.
Variant type: single nucleotide variant.
Coding change: c.3810T>A on transcript NM_005732.4 (MANE Select); coding-DNA position 3810, T replaced by A.
Protein change: p.Asp1270Glu; replaces aspartic acid 1270 with glutamic acid.
Molecular consequence: missense variant. On other transcripts: non-coding transcript variant (1).
Genome position (GRCh38, 1-based): chr5:132,642,235, T>A. VCF-style: chr5-132642235-T-A. GRCh37 (hg19) VCF-style: chr5-131977927-T-A.
Other names: short protein forms D1270E.
Identifiers: ClinVar variation 2451415 (VCV002451415.2), dbSNP rs1486093198, ClinGen allele CA360936515.